The following is an entry in ClinVar:

NM_001845.6(COL4A1):c.1753C>A (p.Arg585Ser)

Gene: COL4A1 (collagen type IV alpha 1 chain; minus strand). Cytogenetic location: 13q34.
Variant type: single nucleotide variant.
Coding change: c.1753C>A on transcript NM_001845.6 (MANE Select); coding-DNA position 1753, C replaced by A.
Protein change: p.Arg585Ser; replaces arginine 585 with serine.
Molecular consequence: missense variant.
Genome position (GRCh38, 1-based): chr13:110,186,529, G>T on the plus strand (C>A on the coding strand, the complement: COL4A1 is on the minus strand). VCF-style: chr13-110186529-G-T. GRCh37 (hg19) VCF-style: chr13-110838876-G-T.
Other names: short protein forms R585S.
Identifiers: ClinVar variation 4782076 (VCV004782076.1).
Genomic context (GRCh38, chr13:110,186,529, plus strand): 5'-GCCCAGGGGGGCCGGTGTCACCACGACTGCCTGGGAATCCAACTCCTCCAGGGGGGCCAC[G>T]CTCTCCTTTCAATCCTACAGAACCCTGATGTGAGAAGAAGAAAAAGACACCGTTATCAGA-3'
Protein context (NP_001836.3, residues 575-595): SPGSVGLKGE[Arg585Ser]GPPGGVGFPG

ClinVar aggregate classification (germline): Uncertain significance (1 of 4 stars; one submission).

Submission:

Labcorp Genetics (formerly Invitae), Labcorp
Classification: Uncertain significance. Last evaluated: 2025-11-21. Review status: criteria provided, single submitter. Criteria: Invitae Variant Classification Sherloc (09022015). Collection method: clinical testing. Allele origin: germline.
Comment: This sequence change replaces arginine, which is basic and polar, with serine, which is neutral and polar, at codon 585 of the COL4A1 protein (p.Arg585Ser). This variant is not present in population databases (gnomAD no frequency). This variant has not been reported in the literature in individuals affected with COL4A1-related conditions. Invitae Evidence Modeling of protein sequence and biophysical properties (such as structural, functional, and spatial information, amino acid conservation, physicochemical variation, residue mobility, and thermodynamic stability) indicates that this missense variant is not expected to disrupt COL4A1 protein function with a negative predictive value of 95%. In summary, the available evidence is currently insufficient to determine the role of this variant in disease. Therefore, it has been classified as a Variant of Uncertain Significance.